The following is an entry in ClinVar:

NM_001079855.2(GYG2):c.1002_1003delinsAT (p.Thr335Ser)

Gene: GYG2 (glycogenin 2; plus strand). Cytogenetic location: Xp22.33.
Variant type: Indel.
Coding change: c.1002_1003delinsAT on transcript NM_001079855.2 (MANE Select); coding-DNA positions 1002 to 1003, GA replaced by AT.
Protein change: p.Thr335Ser; replaces threonine 335 with serine.
Molecular consequence: missense variant.
Genome position (GRCh38, 1-based): chrX:2,861,686-2,861,687, GA replaced by AT. VCF-style: chrX-2861686-GA-AT. GRCh37 (hg19) VCF-style: chrX-2779727-GA-AT.
Other names: c.1002_1003delinsAT, p.Thr335Ser (NM_001184702.2); c.1095_1096delinsAT, p.Thr366Ser (NM_001184703.2, NM_003918.3); c.537_538delinsAT, p.Thr180Ser (NM_001184704.2); short protein forms T335S, T366S, T180S.
Identifiers: ClinVar variation 4699253 (VCV004699253.1).

ClinVar aggregate classification (germline): Uncertain significance (1 of 4 stars; one submission).

Submission:

Labcorp Genetics (formerly Invitae), Labcorp
Classification: Uncertain significance. Last evaluated: 2025-05-19. Review status: criteria provided, single submitter. Criteria: Invitae Variant Classification Sherloc (09022015). Collection method: clinical testing. Allele origin: germline.
Comment: This sequence change replaces threonine, which is neutral and polar, with serine, which is neutral and polar, at codon 366 of the GYG2 protein (p.Thr366Ser). Information on the frequency of this variant in the gnomAD database is not available, as this variant may be reported differently in the database. This variant has not been reported in the literature in individuals affected with GYG2-related conditions. Experimental studies and prediction algorithms are not available or were not evaluated, and the functional significance of this variant is currently unknown. In summary, the available evidence is currently insufficient to determine the role of this variant in disease. Therefore, it has been classified as a Variant of Uncertain Significance.